The following is an entry in ClinVar:

NM_015570.4(AUTS2):c.2392C>T (p.Arg798Ter)

Gene: AUTS2 (activator of transcription and developmental regulator AUTS2; plus strand). Cytogenetic location: 7q11.22.
Variant type: single nucleotide variant.
Coding change: c.2392C>T on transcript NM_015570.4 (MANE Select); coding-DNA position 2392, C replaced by T.
Protein change: p.Arg798Ter; replaces arginine 798 with a stop codon.
Molecular consequence: nonsense.
Genome position (GRCh38, 1-based): chr7:70,787,292, C>T. VCF-style: chr7-70787292-C-T. GRCh37 (hg19) VCF-style: chr7-70252278-C-T.
Other names: c.2320C>T, p.Arg774Ter (NM_001127231.3); short protein forms R774*, R798*.
Identifiers: ClinVar variation 1194595 (VCV001194595.10), dbSNP rs2129561031, ClinGen allele CA367663992.

ClinVar aggregate classification (germline): Pathogenic. Review status: criteria provided, multiple submitters, no conflicts (2 of 4 stars). 2 submissions from 2 submitters: Pathogenic (2). Last evaluated 2025-02-12.

Submissions (2):

Labcorp Genetics (formerly Invitae), Labcorp
Classification: Pathogenic. Last evaluated: 2025-02-12. Review status: criteria provided, single submitter. Criteria: Invitae Variant Classification Sherloc (09022015). Collection method: clinical testing. Allele origin: germline.
Comment: This sequence change creates a premature translational stop signal (p.Arg798*) in the AUTS2 gene. It is expected to result in an absent or disrupted protein product. Loss-of-function variants in AUTS2 are known to be pathogenic (PMID: 25205402, 27075013). This variant is not present in population databases (gnomAD no frequency). This premature translational stop signal has been observed in individual(s) with autism (PMID: 35982159). ClinVar contains an entry for this variant (Variation ID: 1194595). For these reasons, this variant has been classified as Pathogenic.

GeneDx
Classification: Pathogenic. Last evaluated: 2023-09-11. Review status: criteria provided, single submitter. Criteria: GeneDx Variant Classification Process June 2021. Collection method: clinical testing. Allele origin: germline. Affected: yes.
Comment: Nonsense variant predicted to result in protein truncation or nonsense mediated decay in a gene for which loss-of-function is a known mechanism of disease; Not observed at significant frequency in large population cohorts (gnomAD); This variant is associated with the following publications: (PMID: 35982159)

Literature cited by the submitters: PubMed 25205402 (cited by Labcorp Genetics (formerly Invitae), Labcorp); PubMed 27075013 (cited by Labcorp Genetics (formerly Invitae), Labcorp); PubMed 35982159 (cited by Labcorp Genetics (formerly Invitae), Labcorp).